The following is an entry in ClinVar:

ClinVar aggregate classification (germline): Likely benign. Review status: criteria provided, multiple submitters, no conflicts (2 of 4 stars). 3 submissions from 3 submitters: Likely benign (2). 1 of the submissions does not count toward it. Last evaluated 2025-07-30.

Conditions:
Inborn genetic diseases. Identifiers: MedGen C0950123, MeSH D030342.
SAMD9L-related disorder. Also called: SAMD9L-related condition; SAMD9L-related disorders.

Allele frequency attached by ClinVar (database versions not stated): gnomAD 0.00003; gnomAD exomes 0.00004; TOPMed 0.00004; ExAC 0.00005.

Submissions (3):

Labcorp Genetics (formerly Invitae), Labcorp
Classification: Likely benign. Last evaluated: 2025-07-30. Review status: criteria provided, single submitter. Criteria: Invitae Variant Classification Sherloc (09022015). Collection method: clinical testing. Allele origin: germline.

Ambry Genetics
Classification: Likely benign for Inborn genetic diseases. Last evaluated: 2024-11-20. Review status: criteria provided, single submitter. Criteria: Ambry Variant Classification Scheme 2023. Collection method: clinical testing. Allele origin: germline.

PreventionGenetics, part of Exact Sciences
Classification: Likely benign for SAMD9L-related condition. Last evaluated: 2019-05-24. Review status: no assertion criteria provided. Collection method: clinical testing. Allele origin: germline. Not counted in ClinVar's aggregate classification.
Comment: This variant is classified as likely benign based on ACMG/AMP sequence variant interpretation guidelines (Richards et al. 2015 PMID: 25741868, with internal and published modifications).

NM_152703.5(SAMD9L):c.1497C>T (p.Asn499=)

Gene: SAMD9L (sterile alpha motif domain containing 9 like; minus strand). Cytogenetic location: 7q21.2.
Variant type: single nucleotide variant.
Coding change: c.1497C>T on transcript NM_152703.5 (MANE Select); coding-DNA position 1497, C replaced by T.
Protein change: p.Asn499=; no amino-acid change (asparagine 499 retained).
Molecular consequence: synonymous variant.
Genome position (GRCh38, 1-based): chr7:93,134,475, G>A on the plus strand (C>T on the coding strand, the complement: SAMD9L is on the minus strand). VCF-style: chr7-93134475-G-A. GRCh37 (hg19) VCF-style: chr7-92763788-G-A.
Other names: c.1497C>T, p.Asn499= (NM_001303496.3, NM_001303497.3, NM_001303498.3 and 5 more transcripts); c.1497C>T (NM_152703.3, NM_152703.2).
Identifiers: ClinVar variation 2174821 (VCV002174821.7), dbSNP rs764406935, ClinGen allele CA4343720.